The following is an entry in ClinVar:

NM_006208.3(ENPP1):c.1753A>G (p.Asn585Asp)

Gene: ENPP1 (ectonucleotide pyrophosphatase/phosphodiesterase 1; plus strand). Cytogenetic location: 6q23.2.
Variant type: single nucleotide variant.
Coding change: c.1753A>G on transcript NM_006208.3 (MANE Select); coding-DNA position 1753, A replaced by G.
Protein change: p.Asn585Asp; replaces asparagine 585 with aspartic acid.
Molecular consequence: missense variant.
Genome position (GRCh38, 1-based): chr6:131,877,021, A>G. VCF-style: chr6-131877021-A-G. GRCh37 (hg19) VCF-style: chr6-132198161-A-G.
Other names: short protein forms N585D.
Identifiers: ClinVar variation 1716705 (VCV001716705.5), dbSNP rs2483513214, ClinGen allele CA365651963.
Genomic context (GRCh38, chr6:131,877,021, plus strand): 5'-TAAGTAACTCTACCATCTTGAAATTATGCAGATTTACTGAATTTGACACCGGCTCCTAAT[A>G]ACGGAACTCATGGAAGTCTTAACCACCTTCTAAAGAATCCTGTTTATACGCCAAAGCATC-3'
Protein context (NP_006199.2, residues 575-595): DLLNLTPAPN[Asn585Asp]GTHGSLNHLL

ClinVar aggregate classification (germline): Uncertain significance (1 of 4 stars; one submission).

Allele frequency attached by ClinVar (database versions not stated): gnomAD exomes below 0.00001.
gnomAD v4.1: 3 of 1,614,144 alleles (0.00019%); highest among the groups gnomAD compares: Non-Finnish European, 0.00025%; no homozygotes.

Submission:

Labcorp Genetics (formerly Invitae), Labcorp
Classification: Uncertain significance. Last evaluated: 2022-08-19. Review status: criteria provided, single submitter. Criteria: Invitae Variant Classification Sherloc (09022015). Collection method: clinical testing. Allele origin: germline.
Comment: This variant is not present in population databases (gnomAD no frequency). This sequence change replaces asparagine, which is neutral and polar, with aspartic acid, which is acidic and polar, at codon 585 of the ENPP1 protein (p.Asn585Asp). In summary, the available evidence is currently insufficient to determine the role of this variant in disease. Therefore, it has been classified as a Variant of Uncertain Significance. Algorithms developed to predict the effect of missense changes on protein structure and function are either unavailable or do not agree on the potential impact of this missense change (SIFT: "Deleterious"; PolyPhen-2: "Probably Damaging"; Align-GVGD: "Class C0"). This variant has not been reported in the literature in individuals affected with ENPP1-related conditions.